The following is an entry in ClinVar:

NM_001080453.3(INTS1):c.5235G>A (p.Thr1745=)

Gene: INTS1 (integrator complex subunit 1; minus strand). Cytogenetic location: 7p22.3.
Variant type: single nucleotide variant.
Coding change: c.5235G>A on transcript NM_001080453.3 (MANE Select); coding-DNA position 5235, G replaced by A.
Protein change: p.Thr1745=; no amino-acid change (threonine 1745 retained).
Molecular consequence: synonymous variant.
Genome position (GRCh38, 1-based): chr7:1,476,372, C>T on the plus strand (G>A on the coding strand, the complement: INTS1 is on the minus strand). VCF-style: chr7-1476372-C-T. GRCh37 (hg19) VCF-style: chr7-1516008-C-T.
Other names: c.1752G>A, p.Thr584= (NM_015674.1).
Identifiers: ClinVar variation 2657184 (VCV002657184.24), dbSNP rs770264501, ClinGen allele CA4118478.

ClinVar aggregate classification (germline): Likely benign (1 of 4 stars; one submission).

Allele frequency attached by ClinVar (database versions not stated): ExAC 0.00007.
gnomAD v4.1: 24 of 1,576,410 alleles (0.0015%); highest among the groups gnomAD compares: Admixed American, 0.014%; no homozygotes.

Submission:

CeGaT Center for Human Genetics Tuebingen
Classification: Likely benign. Last evaluated: 2023-03-01. Review status: criteria provided, single submitter. Criteria: CeGaT Center For Human Genetics Tuebingen Variant Classification Criteria Version 2. Collection method: clinical testing. Allele origin: germline. Affected: yes. Observed: 1 variant allele.
Comment: INTS1: BP4, BP7